The following is an entry in ClinVar:

ClinVar aggregate classification (germline): Benign. Review status: criteria provided, multiple submitters, no conflicts (2 of 4 stars). 6 submissions from 6 submitters: Benign (5). 1 of the submissions does not count toward it. Last evaluated 2026-02-04.

Conditions:
TF*C2. Also called: Transferrin variant C1/C2.
Atransferrinemia. Also called: Familial hypotransferrinemia. Identifiers: Orphanet 1195, MedGen C0521802, MONDO:0008846, OMIM 209300, HP:0012239.

Allele frequency attached by ClinVar (database versions not stated): gnomAD 0.13738 and 0.13332; ExAC 0.16016; gnomAD exomes 0.16449 and 0.16029; TOPMed 0.13754; 1000 Genomes Project 30x 0.15178; 1000 Genomes Project 0.15635.
gnomAD v4.1: 261,806 of 1,613,992 alleles (16%); highest among the groups gnomAD compares: East Asian, 25%; 22,356 homozygotes.

Submissions (6):

Labcorp Genetics (formerly Invitae), Labcorp
Classification: Benign. Last evaluated: 2026-02-04. Review status: criteria provided, single submitter. Criteria: Invitae Variant Classification Sherloc (09022015). Collection method: clinical testing. Allele origin: germline.

Fulgent Genetics
Classification: Benign for Atransferrinemia. Last evaluated: 2022-03-25. Review status: criteria provided, single submitter. Criteria: ACMG Guidelines, 2015. Collection method: clinical testing. Allele origin: unknown.

Mayo Clinic Laboratories, Mayo Clinic
Classification: Benign. Last evaluated: 2019-01-02. Review status: criteria provided, single submitter. Criteria: ACMG Guidelines, 2015. Collection method: clinical testing. Allele origin: germline. Observed: 16 variant alleles.

Illumina Laboratory Services, Illumina
Classification: Benign for Atransferrinemia. Last evaluated: 2018-03-06. Review status: criteria provided, single submitter. Criteria: ICSL Variant Classification Criteria 13 December 2019. Collection method: clinical testing. Allele origin: germline.
Comment: This variant was observed in the ICSL laboratory as part of a predisposition screen in an ostensibly healthy population. It had not been previously curated by ICSL or reported in the Human Gene Mutation Database (HGMD: prior to June 1st, 2018), and was therefore a candidate for classification through an automated scoring system. Utilizing variant allele frequency, disease prevalence and penetrance estimates, and inheritance mode, an automated score was calculated to assess if this variant is too frequent to cause the disease. Based on the score and internal cut-off values, a variant classified as benign is not then subjected to further curation. The score for this variant resulted in a classification of benign for this disease.

Breakthrough Genomics
Classification: Benign. Review status: criteria provided, single submitter. Criteria: ACMG Guidelines, 2015. Collection method: not provided. Allele origin: germline. Inheritance: Autosomal recessive inheritance. Affected: yes.

OMIM
Classification: association for TRANSFERRIN VARIANT C1/C2. Last evaluated: 2024-01-02. Review status: no assertion criteria provided. Collection method: literature only. Allele origin: germline. Not counted in ClinVar's aggregate classification.

Literature cited by the submitters: PubMed 20029940 (cited by OMIM); PubMed 9272172 (cited by OMIM); PubMed 15060098 (cited by OMIM).

NM_001063.4(TF):c.1765C>T (p.Pro589Ser)

Gene: TF (transferrin; plus strand). Cytogenetic location: 3q22.1.
Variant type: single nucleotide variant.
Coding change: c.1765C>T on transcript NM_001063.4 (MANE Select); coding-DNA position 1765, C replaced by T.
Protein change: p.Pro589Ser; replaces proline 589 with serine.
Molecular consequence: missense variant.
Genome position (GRCh38, 1-based): chr3:133,775,510, C>T. VCF-style: chr3-133775510-C-T. GRCh37 (hg19) VCF-style: chr3-133494354-C-T.
Other names: TF, PRO589SER (rs1049296); TF*C2; c.1633C>T, p.Pro545Ser (NM_001354703.2); c.1384C>T, p.Pro462Ser (NM_001354704.2); short protein forms P589S, P545S, P462S.
Identifiers: ClinVar variation 12617 (VCV000012617.16), dbSNP rs1049296, ClinGen allele CA122563.